The following is an entry in ClinVar:

ClinVar aggregate classification (germline): Uncertain significance (1 of 4 stars; one submission).

Conditions:
Infantile-onset ascending hereditary spastic paralysis (IAHSP). Also called: Infantile-Onset Ascending Hereditary Spastic Paralysis (IAHSP); Autosomal Recessive Juvenile Amyotrophic Lateral Sclerosis. Identifiers: Orphanet 293168, MedGen C2931441, MONDO:0011797, OMIM 607225. Disease mechanism: loss of function.

Submission:

Labcorp Genetics (formerly Invitae), Labcorp
Classification: Uncertain significance for Infantile-onset ascending hereditary spastic paralysis. Last evaluated: 2021-11-27. Review status: criteria provided, single submitter. Criteria: Invitae Variant Classification Sherloc (09022015). Collection method: clinical testing. Allele origin: germline.
Comment: This sequence change replaces alanine, which is neutral and non-polar, with threonine, which is neutral and polar, at codon 693 of the ALS2 protein (p.Ala693Thr). This variant is not present in population databases (gnomAD no frequency). This variant has not been reported in the literature in individuals affected with ALS2-related conditions. Algorithms developed to predict the effect of missense changes on protein structure and function are either unavailable or do not agree on the potential impact of this missense change (SIFT: "Deleterious"; PolyPhen-2: "Benign"; Align-GVGD: "Class C0"). In summary, the available evidence is currently insufficient to determine the role of this variant in disease. Therefore, it has been classified as a Variant of Uncertain Significance.

NM_020919.4(ALS2):c.2077G>A (p.Ala693Thr)

Gene: ALS2 (alsin Rho guanine nucleotide exchange factor ALS2; minus strand). Cytogenetic location: 2q33.1.
Variant type: single nucleotide variant.
Coding change: c.2077G>A on transcript NM_020919.4 (MANE Select); coding-DNA position 2077, G replaced by A.
Protein change: p.Ala693Thr; replaces alanine 693 with threonine.
Molecular consequence: missense variant.
Genome position (GRCh38, 1-based): chr2:201,744,351, C>T on the plus strand (G>A on the coding strand, the complement: ALS2 is on the minus strand). VCF-style: chr2-201744351-C-T. GRCh37 (hg19) VCF-style: chr2-202609074-C-T.
Other names: short protein forms A693T.
Identifiers: ClinVar variation 1519895 (VCV001519895.6), dbSNP rs2106050920, ClinGen allele CA350325087.